The following is an entry in ClinVar:

NM_000037.4(ANK1):c.1483A>C (p.Asn495His)

Gene: ANK1 (ankyrin 1; minus strand). Cytogenetic location: 8p11.21.
Variant type: single nucleotide variant.
Coding change: c.1483A>C on transcript NM_000037.4 (MANE Select); coding-DNA position 1483, A replaced by C.
Protein change: p.Asn495His; replaces asparagine 495 with histidine.
Molecular consequence: missense variant.
Genome position (GRCh38, 1-based): chr8:41,715,771, T>G on the plus strand (A>C on the coding strand, the complement: ANK1 is on the minus strand). VCF-style: chr8-41715771-T-G. GRCh37 (hg19) VCF-style: chr8-41573289-T-G.
Other names: p.Asn495His; c.1582A>C, p.Asn528His (NM_001142446.2); c.1483A>C, p.Asn495His (NM_020475.3, NM_020476.3, NM_020477.3); c.1483A>C (NM_020476.2); short protein forms N495H, N528H.
Identifiers: ClinVar variation 711499 (VCV000711499.17), dbSNP rs143839208, ClinGen allele CA4728602.

ClinVar aggregate classification (germline): Conflicting classifications of pathogenicity. Review status: criteria provided, conflicting classifications (1 of 4 stars). 5 submissions from 5 submitters: Uncertain significance (1); Likely benign (4). Last evaluated 2025-12-17.

Conditions:
ANK1-related disorder. Also called: ANK1-related condition.
Hereditary spherocytosis type 1. Also called: Spherocytosis type 1; ANK1-Related Spherocytosis. Identifiers: Orphanet 822, MedGen C2674218, MONDO:0008447, OMIM 182900.

Allele frequency attached by ClinVar (database versions not stated): gnomAD exomes 0.00006 and 0.00015; ExAC 0.00026; gnomAD 0.00057 and 0.00063; TOPMed 0.00060; ESP Exome Variant Server 0.00069; 1000 Genomes Project 30x 0.00094; 1000 Genomes Project 0.00120.
gnomAD v4.1: 200 of 1,614,144 alleles (0.012%); highest among the groups gnomAD compares: African/African-American, 0.24%; 2 homozygotes.

Submissions (5):

Labcorp Genetics (formerly Invitae), Labcorp
Classification: Likely benign. Last evaluated: 2025-12-17. Review status: criteria provided, single submitter. Criteria: Invitae Variant Classification Sherloc (09022015). Collection method: clinical testing. Allele origin: germline.

PreventionGenetics, part of Exact Sciences
Classification: Likely benign for ANK1-related condition. Last evaluated: 2025-09-23. Review status: criteria provided, single submitter. Criteria: ACMG Guidelines, 2015. Collection method: clinical testing. Allele origin: germline.
Comment: This variant is classified as likely benign based on ACMG/AMP sequence variant interpretation guidelines (Richards et al. 2015 PMID: 25741868, with internal and published modifications).

Revvity Omics, Revvity
Classification: Likely benign for Hereditary spherocytosis type 1. Last evaluated: 2023-09-26. Review status: criteria provided, single submitter. Criteria: ACMG Guidelines, 2015. Collection method: clinical testing. Allele origin: germline.

Mayo Clinic Laboratories, Mayo Clinic
Classification: Uncertain significance. Last evaluated: 2022-04-19. Review status: criteria provided, single submitter. Criteria: ACMG Guidelines, 2015. Collection method: clinical testing. Allele origin: germline. Observed: 7 variant alleles.
Comment: BP4

ARUP Laboratories, Molecular Genetics and Genomics, ARUP Laboratories
Classification: Likely benign for Hereditary spherocytosis type 1. Last evaluated: 2021-05-25. Review status: criteria provided, single submitter. Criteria: ARUP Molecular Germline Variant Investigation Process 2021. Collection method: clinical testing. Allele origin: germline.